The following is an entry in ClinVar:

ClinVar aggregate classification (germline): Conflicting classifications of pathogenicity. Review status: criteria provided, conflicting classifications (1 of 4 stars). 4 submissions from 4 submitters: Uncertain significance (1); Likely benign (2). 1 of the submissions does not count toward it. Last evaluated 2025-12-23.

Conditions:
ATP8B1-related disorder. Also called: ATP8B1-related disorders; ATP8B1-related condition.

Allele frequency attached by ClinVar (database versions not stated): gnomAD exomes 0.00004 and 0.00012; ExAC 0.00016; 1000 Genomes Project 0.00040; gnomAD 0.00050 and 0.00052; ESP Exome Variant Server 0.00054; TOPMed 0.00059; 1000 Genomes Project 30x 0.00062.
gnomAD v4.1: 147 of 1,614,134 alleles (0.0091%); highest among the groups gnomAD compares: African/African-American, 0.17%; no homozygotes.

Submissions (4):

Labcorp Genetics (formerly Invitae), Labcorp
Classification: Likely benign. Last evaluated: 2025-12-23. Review status: criteria provided, single submitter. Criteria: Invitae Variant Classification Sherloc (09022015). Collection method: clinical testing. Allele origin: germline.

Mayo Clinic Laboratories, Mayo Clinic
Classification: Likely benign. Last evaluated: 2025-10-02. Review status: criteria provided, single submitter. Criteria: ACMG Guidelines, 2015. Collection method: clinical testing. Allele origin: germline. Observed: 2 variant alleles.
Comment: BS1, BP4, BP7

Eurofins Ntd Llc (ga)
Classification: Uncertain significance. Last evaluated: 2017-10-12. Review status: criteria provided, single submitter. Criteria: EGL Classification Definitions 2015. Collection method: clinical testing. Allele origin: germline. Observed: 8 variant alleles, 8 heterozygotes.

PreventionGenetics, part of Exact Sciences
Classification: Likely benign for ATP8B1-related condition. Last evaluated: 2021-11-19. Review status: no assertion criteria provided. Collection method: clinical testing. Allele origin: germline. Not counted in ClinVar's aggregate classification.
Comment: This variant is classified as likely benign based on ACMG/AMP sequence variant interpretation guidelines (Richards et al. 2015 PMID: 25741868, with internal and published modifications).

NM_001374385.1(ATP8B1):c.2358G>A (p.Val786=)

Genes: ATP8B1 (ATPase phospholipid transporting 8B1; minus strand), ATP8B1-AS1 (ATP8B1 antisense RNA 1; plus strand). Cytogenetic location: 18q21.31.
Variant type: single nucleotide variant.
Coding change: c.2358G>A on transcript NM_001374385.1 (MANE Select); coding-DNA position 2358, G replaced by A.
Protein change: p.Val786=; no amino-acid change (valine 786 retained).
Molecular consequence: synonymous variant.
Genome position (GRCh38, 1-based): chr18:57,662,543, C>T on the plus strand (G>A on the coding strand, the complement: ATP8B1 is on the minus strand). VCF-style: chr18-57662543-C-T. GRCh37 (hg19) VCF-style: chr18-55329775-C-T.
Other names: p.Val786=; c.2208G>A, p.Val736= (NM_001374386.1); c.2358G>A, p.Val786= (NM_005603.6).
Identifiers: ClinVar variation 195604 (VCV000195604.15), dbSNP rs33965008, ClinGen allele CA242078.